The following is an entry in ClinVar:

NM_018192.4(P3H2):c.544A>G (p.Met182Val)

Gene: P3H2 (prolyl 3-hydroxylase 2; minus strand). Cytogenetic location: 3q28.
Variant type: single nucleotide variant.
Coding change: c.544A>G on transcript NM_018192.4 (MANE Select); coding-DNA position 544, A replaced by G.
Protein change: p.Met182Val; replaces methionine 182 with valine.
Molecular consequence: missense variant. On other transcripts: initiator codon variant (1).
Genome position (GRCh38, 1-based): chr3:189,995,379, T>C on the plus strand (A>G on the coding strand, the complement: P3H2 is on the minus strand). VCF-style: chr3-189995379-T-C. GRCh37 (hg19) VCF-style: chr3-189713168-T-C.
Other names: c.544A>G (NM_018192.3); c.1A>G, p.Met1Val (NM_001134418.2); short protein forms M182V, M1V.
Identifiers: ClinVar variation 1419714 (VCV001419714.8), dbSNP rs150007134, ClinGen allele CA2753310.
Genomic context (GRCh38, chr3:189,995,379, plus strand): 5'-ACTGCAATGCTTCAACACCAGCTGTCGCCCTGTAATTCTCAATGTTCTGCTGCATTTCCA[T>C]GTGCTCAGGGTTAGCCACGAAAAATGTGTGAGCTGCTTCCACTGCTTTTTCGAGCTGGTT-3'
Protein context (NP_060662.2, residues 172-192): HTFFVANPEH[Met182Val]EMQQNIENYR

ClinVar aggregate classification (germline): Uncertain significance. Review status: criteria provided, multiple submitters, no conflicts (2 of 4 stars). 3 submissions from 3 submitters: Uncertain significance (3). Last evaluated 2025-11-03.

Conditions:
Inborn genetic diseases. Identifiers: MedGen C0950123, MeSH D030342.

Allele frequency attached by ClinVar (database versions not stated): gnomAD 0.00004; ESP Exome Variant Server 0.00008; 1000 Genomes Project 30x 0.00016; 1000 Genomes Project 0.00020.

Submissions (3):

Labcorp Genetics (formerly Invitae), Labcorp
Classification: Uncertain significance. Last evaluated: 2025-11-03. Review status: criteria provided, single submitter. Criteria: Invitae Variant Classification Sherloc (09022015). Collection method: clinical testing. Allele origin: germline.
Comment: This sequence change replaces methionine, which is neutral and non-polar, with valine, which is neutral and non-polar, at codon 182 of the P3H2 protein (p.Met182Val). This variant is present in population databases (rs150007134, gnomAD 0.007%). This variant has not been reported in the literature in individuals affected with P3H2-related conditions. ClinVar contains an entry for this variant (Variation ID: 1419714). Invitae Evidence Modeling of protein sequence and biophysical properties (such as structural, functional, and spatial information, amino acid conservation, physicochemical variation, residue mobility, and thermodynamic stability) indicates that this missense variant is not expected to disrupt P3H2 protein function with a negative predictive value of 80%. In summary, the available evidence is currently insufficient to determine the role of this variant in disease. Therefore, it has been classified as a Variant of Uncertain Significance.

Ambry Genetics
Classification: Uncertain significance for Inborn genetic diseases. Last evaluated: 2025-04-04. Review status: criteria provided, single submitter. Criteria: Ambry Variant Classification Scheme 2023. Collection method: clinical testing. Allele origin: germline.

Blueprint Genetics
Classification: Uncertain significance. Last evaluated: 2021-11-04. Review status: criteria provided, single submitter. Criteria: ACMG Guidelines, 2015. Collection method: clinical testing. Allele origin: germline.